The following is an entry in ClinVar:

NM_000298.6(PKLR):c.108G>A (p.Ala36=)

Gene: PKLR (pyruvate kinase L/R; minus strand). Cytogenetic location: 1q22.
Variant type: single nucleotide variant.
Coding change: c.108G>A on transcript NM_000298.6 (MANE Select); coding-DNA position 108, G replaced by A.
Protein change: p.Ala36=; no amino-acid change (alanine 36 retained).
Molecular consequence: synonymous variant.
Genome position (GRCh38, 1-based): chr1:155,300,273, C>T on the plus strand (G>A on the coding strand, the complement: PKLR is on the minus strand). VCF-style: chr1-155300273-C-T. GRCh37 (hg19) VCF-style: chr1-155270064-C-T.
Other names: c.15G>A, p.Ala5= (NM_181871.4).
Identifiers: ClinVar variation 2417178 (VCV002417178.29), dbSNP rs148376707, ClinGen allele CA1144448.

ClinVar aggregate classification (germline): Likely benign. Review status: criteria provided, multiple submitters, no conflicts (2 of 4 stars). 2 submissions from 2 submitters: Likely benign (2). Last evaluated 2025-07-21.

Allele frequency attached by ClinVar (database versions not stated): TOPMed 0.00002; ExAC 0.00004; gnomAD 0.00006; ESP Exome Variant Server 0.00008.

Submissions (2):

Labcorp Genetics (formerly Invitae), Labcorp
Classification: Likely benign. Last evaluated: 2025-07-21. Review status: criteria provided, single submitter. Criteria: Invitae Variant Classification Sherloc (09022015). Collection method: clinical testing. Allele origin: germline.

CeGaT Center for Human Genetics Tuebingen
Classification: Likely benign. Last evaluated: 2024-01-01. Review status: criteria provided, single submitter. Criteria: CeGaT Center For Human Genetics Tuebingen Variant Classification Criteria Version 2. Collection method: clinical testing. Allele origin: germline. Affected: yes. Observed: 1 variant allele.
Comment: PKLR: BP4, BP7